The following is an entry in ClinVar:

NM_006441.4(MTHFS):c.172A>G (p.Met58Val)

Genes: MTHFS (methenyltetrahydrofolate synthetase; minus strand), ST20-MTHFS (ST20-MTHFS readthrough; minus strand). Cytogenetic location: 15q25.1.
Variant type: single nucleotide variant.
Coding change: c.172A>G on transcript NM_006441.4 (MANE Select); coding-DNA position 172, A replaced by G.
Protein change: p.Met58Val; replaces methionine 58 with valine.
Molecular consequence: missense variant. On other transcripts: initiator codon variant (1), non-coding transcript variant (1).
Genome position (GRCh38, 1-based): chr15:79,889,300, T>C on the plus strand (A>G on the coding strand, the complement: MTHFS is on the minus strand). VCF-style: chr15-79889300-T-C. GRCh37 (hg19) VCF-style: chr15-80181642-T-C.
Other names: c.100A>G, p.Met34Val (NM_001199760.2); c.1A>G, p.Met1Val (NM_001199758.1); short protein forms M58V, M1V, M34V.
Identifiers: ClinVar variation 1914723 (VCV001914723.6), dbSNP rs1193851172, ClinGen allele CA393609826.

ClinVar aggregate classification (germline): Uncertain significance (1 of 4 stars; one submission).

Allele frequency attached by ClinVar (database versions not stated): gnomAD exomes below 0.00001; gnomAD 0.00001; TOPMed 0.00001.
gnomAD v4.1: 8 of 1,614,134 alleles (0.0005%); highest among the groups gnomAD compares: African/African-American, 0.0013%; no homozygotes.

Submission:

Labcorp Genetics (formerly Invitae), Labcorp
Classification: Uncertain significance. Last evaluated: 2022-02-08. Review status: criteria provided, single submitter. Criteria: Invitae Variant Classification Sherloc (09022015). Collection method: clinical testing. Allele origin: germline.
Comment: In summary, the available evidence is currently insufficient to determine the role of this variant in disease. Therefore, it has been classified as a Variant of Uncertain Significance. Algorithms developed to predict the effect of missense changes on protein structure and function are either unavailable or do not agree on the potential impact of this missense change (SIFT: "Tolerated"; PolyPhen-2: "Possibly Damaging"; Align-GVGD: "Class C0"). This variant has not been reported in the literature in individuals affected with MTHFS-related conditions. This variant is not present in population databases (gnomAD no frequency). This sequence change replaces methionine, which is neutral and non-polar, with valine, which is neutral and non-polar, at codon 58 of the MTHFS protein (p.Met58Val).